The following is an entry in ClinVar:

ClinVar aggregate classification (germline): Conflicting classifications of pathogenicity. Review status: criteria provided, conflicting classifications (1 of 4 stars). 2 submissions from 2 submitters: Uncertain significance (1); Likely benign (1). Last evaluated 2025-10-11.

Conditions:
Inborn genetic diseases. Identifiers: MedGen C0950123, MeSH D030342.

Allele frequency attached by ClinVar (database versions not stated): gnomAD 0.00001; gnomAD exomes 0.00001; TOPMed 0.00002; ESP Exome Variant Server 0.00008.
gnomAD v4.1: 18 of 1,613,912 alleles (0.0011%); highest among the groups gnomAD compares: East Asian, 0.0022%; no homozygotes.

Submissions (2):

Labcorp Genetics (formerly Invitae), Labcorp
Classification: Uncertain significance. Last evaluated: 2025-10-11. Review status: criteria provided, single submitter. Criteria: Invitae Variant Classification Sherloc (09022015). Collection method: clinical testing. Allele origin: germline.
Comment: This sequence change replaces serine, which is neutral and polar, with asparagine, which is neutral and polar, at codon 562 of the FOXP1 protein (p.Ser562Asn). This variant is present in population databases (rs368286998, gnomAD 0.002%). This variant has not been reported in the literature in individuals affected with FOXP1-related conditions. ClinVar contains an entry for this variant (Variation ID: 1910713). Invitae Evidence Modeling of protein sequence and biophysical properties (such as structural, functional, and spatial information, amino acid conservation, physicochemical variation, residue mobility, and thermodynamic stability) indicates that this missense variant is not expected to disrupt FOXP1 protein function with a negative predictive value of 80%. In summary, the available evidence is currently insufficient to determine the role of this variant in disease. Therefore, it has been classified as a Variant of Uncertain Significance.

Ambry Genetics
Classification: Likely benign for Inborn genetic diseases. Last evaluated: 2025-08-15. Review status: criteria provided, single submitter. Criteria: Ambry Variant Classification Scheme 2023. Collection method: clinical testing. Allele origin: germline.

NM_001349338.3(FOXP1):c.1685G>A (p.Ser562Asn)

Gene: FOXP1 (forkhead box P1; minus strand). Cytogenetic location: 3p13.
Variant type: single nucleotide variant.
Coding change: c.1685G>A on transcript NM_001349338.3 (MANE Select); coding-DNA position 1685, G replaced by A.
Protein change: p.Ser562Asn; replaces serine 562 with asparagine.
Molecular consequence: missense variant. On other transcripts: non-coding transcript variant (2).
Genome position (GRCh38, 1-based): chr3:70,970,773, C>T on the plus strand (G>A on the coding strand, the complement: FOXP1 is on the minus strand). VCF-style: chr3-70970773-C-T. GRCh37 (hg19) VCF-style: chr3-71019924-C-T.
Other names: c.1682G>A, p.Ser561Asn (NM_001244808.3, NM_001349341.3); c.1733G>A, p.Ser578Asn (NM_001244810.2); c.1457G>A, p.Ser486Asn (NM_001244812.3); c.1385G>A, p.Ser462Asn (NM_001244813.3, NM_001244815.2, NM_001349342.3); c.1685G>A, p.Ser562Asn (NM_001244814.3, NM_001244816.2, NM_001349340.3 and 1 more transcripts); c.1382G>A, p.Ser461Asn (NM_001349337.2, NM_001349343.3, NM_001349344.3 and 1 more transcripts); c.1685G>A (NM_032682.5); short protein forms S486N, S461N, S561N, S462N, S562N, S578N.
Identifiers: ClinVar variation 1910713 (VCV001910713.6), dbSNP rs368286998, ClinGen allele CA76523867.